The following is an entry in ClinVar:

ClinVar aggregate classification (germline): Uncertain significance (1 of 4 stars; one submission).

gnomAD v4.1: 30 of 1,611,978 alleles (0.0019%); highest among the groups gnomAD compares: African/African-American, 0.0053%; no homozygotes.

Submission:

CeGaT Center for Human Genetics Tuebingen
Classification: Uncertain significance. Last evaluated: 2024-07-01. Review status: criteria provided, single submitter. Criteria: CeGaT Center For Human Genetics Tuebingen Variant Classification Criteria Version 2. Collection method: clinical testing. Allele origin: germline. Affected: yes. Observed: 1 variant allele.
Comment: GPIHBP1: PM2, BP4

NM_178172.6(GPIHBP1):c.496G>A (p.Ala166Thr)

Gene: GPIHBP1 (glycosylphosphatidylinositol anchored high density lipoprotein binding protein 1; plus strand). Cytogenetic location: 8q24.3.
Variant type: single nucleotide variant.
Coding change: c.496G>A on transcript NM_178172.6 (MANE Select); coding-DNA position 496, G replaced by A.
Protein change: p.Ala166Thr; replaces alanine 166 with threonine.
Molecular consequence: missense variant. On other transcripts: intron variant (1).
Genome position (GRCh38, 1-based): chr8:143,215,459, G>A. VCF-style: chr8-143215459-G-A. GRCh37 (hg19) VCF-style: chr8-144297334-G-A.
Other names: c.375+121G>A (NM_001301772.2); short protein forms A166T.
Identifiers: ClinVar variation 3257216 (VCV003257216.17).